The following is an entry in ClinVar:

ClinVar aggregate classification (germline): Uncertain significance (1 of 4 stars; one submission).

Conditions:
Cardiovascular phenotype. Identifiers: MedGen CN230736.
Hereditary cancer-predisposing syndrome. Also called: Hereditary neoplastic syndrome; Neoplastic Syndromes, Hereditary; Tumor predisposition; Hereditary Cancer Syndrome. Identifiers: Orphanet 140162, MedGen C0027672, MeSH D009386, MONDO:0015356.

gnomAD v4.1: 1 of 1,614,082 alleles (0.000062%); highest among the groups gnomAD compares: Non-Finnish European, 0.000085%; no homozygotes.

Submission:

Ambry Genetics
Classification: Uncertain significance for Cardiovascular phenotype; Hereditary cancer-predisposing syndrome. Last evaluated: 2025-07-09. Review status: criteria provided, single submitter. Criteria: Ambry Variant Classification Scheme 2023. Collection method: clinical testing. Allele origin: germline.
Comment: The p.I271V variant (also known as c.811A>G), located in coding exon 8 of the NF1 gene, results from an A to G substitution at nucleotide position 811. The isoleucine at codon 271 is replaced by valine, an amino acid with highly similar properties. This amino acid position is conserved. In addition, the in silico prediction for this alteration is inconclusive. Based on the available evidence, the clinical significance of this variant remains unclear.

NM_001042492.3(NF1):c.811A>G (p.Ile271Val)

Gene: NF1 (neurofibromin 1; plus strand). Cytogenetic location: 17q11.2.
Variant type: single nucleotide variant.
Coding change: c.811A>G on transcript NM_001042492.3 (MANE Select); coding-DNA position 811, A replaced by G.
Protein change: p.Ile271Val; replaces isoleucine 271 with valine.
Molecular consequence: missense variant.
Genome position (GRCh38, 1-based): chr17:31,182,588, A>G. VCF-style: chr17-31182588-A-G. GRCh37 (hg19) VCF-style: chr17-29509606-A-G.
Other names: c.811A>G, p.Ile271Val (NM_000267.4, NM_001128147.3); short protein forms I271V.
Identifiers: ClinVar variation 4119096 (VCV004119096.1).